The following is an entry in ClinVar:

ClinVar aggregate classification (germline): Conflicting classifications of pathogenicity. Review status: criteria provided, conflicting classifications (1 of 4 stars). 2 submissions from 2 submitters: Likely pathogenic (1); Uncertain significance (1). Last evaluated 2024-10-06.

Conditions:
D-2-hydroxyglutaric aciduria 1 (D2HGA1). Identifiers: Orphanet 79315, MedGen C3152055, MONDO:0024554, OMIM 600721.

Allele frequency attached by ClinVar (database versions not stated): ExAC 0.00002; gnomAD exomes 0.00002 and 0.00003; gnomAD 0.00001; TOPMed 0.00002.
gnomAD v4.1: 42 of 1,613,718 alleles (0.0026%); highest among the groups gnomAD compares: Non-Finnish European, 0.0035%; no homozygotes.

Submissions (2):

GeneDx
Classification: Likely pathogenic. Last evaluated: 2024-10-06. Review status: criteria provided, single submitter. Criteria: GeneDx Variant Classification Process June 2021. Collection method: clinical testing. Allele origin: germline. Affected: yes.
Comment: Published functional studies demonstrate a damaging effect on D-2-hydroxyglutarate dehydrogenase enzyme activity (PMID: 30908763); In silico analysis supports that this missense variant has a deleterious effect on protein structure/function; This variant is associated with the following publications: (PMID: 20020533, 30908763)

Labcorp Genetics (formerly Invitae), Labcorp
Classification: Uncertain significance for D-2-hydroxyglutaric aciduria 1. Last evaluated: 2024-06-04. Review status: criteria provided, single submitter. Criteria: Invitae Variant Classification Sherloc (09022015). Collection method: clinical testing. Allele origin: germline.
Comment: This sequence change replaces cysteine, which is neutral and slightly polar, with tyrosine, which is neutral and polar, at codon 172 of the D2HGDH protein (p.Cys172Tyr). This variant is present in population databases (rs773735172, gnomAD 0.005%). This missense change has been observed in individual(s) with D-2-hydroxyglutaric aciduria (PMID: 20020533). ClinVar contains an entry for this variant (Variation ID: 857572). Advanced modeling of protein sequence and biophysical properties (such as structural, functional, and spatial information, amino acid conservation, physicochemical variation, residue mobility, and thermodynamic stability) performed at Invitae indicates that this missense variant is expected to disrupt D2HGDH protein function with a positive predictive value of 80%. Experimental studies have shown that this missense change affects D2HGDH function (PMID: 30908763, 33431826). In summary, the available evidence is currently insufficient to determine the role of this variant in disease. Therefore, it has been classified as a Variant of Uncertain Significance.

Literature cited by the submitters: PubMed 20020533 (cited by Labcorp Genetics (formerly Invitae), Labcorp); PubMed 30908763 (cited by Labcorp Genetics (formerly Invitae), Labcorp); PubMed 33431826 (cited by Labcorp Genetics (formerly Invitae), Labcorp).

NM_152783.5(D2HGDH):c.515G>A (p.Cys172Tyr)

Gene: D2HGDH (D-2-hydroxyglutarate dehydrogenase; plus strand). Cytogenetic location: 2q37.3.
Variant type: single nucleotide variant.
Coding change: c.515G>A on transcript NM_152783.5 (MANE Select); coding-DNA position 515, G replaced by A.
Protein change: p.Cys172Tyr; replaces cysteine 172 with tyrosine.
Molecular consequence: missense variant. On other transcripts: 5 prime UTR variant (1), non-coding transcript variant (1).
Genome position (GRCh38, 1-based): chr2:241,743,646, G>A. VCF-style: chr2-241743646-G-A. GRCh37 (hg19) VCF-style: chr2-242683061-G-A.
Other names: c.113G>A, p.Cys38Tyr (NM_001287249.2); c.-47G>A (NM_001352824.2); c.515G>A (NM_152783.3); short protein forms C38Y, C172Y.
Identifiers: ClinVar variation 857572 (VCV000857572.10), dbSNP rs773735172, ClinGen allele CA2221699.